The following is an entry in ClinVar:

ClinVar aggregate classification (germline): Uncertain significance (1 of 4 stars; one submission).

Conditions:
Dyskeratosis congenita, autosomal dominant 6 (DKCA6). Identifiers: Orphanet 3322, MedGen C4225284, MONDO:0014690, OMIM 616553.

gnomAD v4.1: 4 of 1,613,094 alleles (0.00025%); highest among the groups gnomAD compares: East Asian, 0.0045%; no homozygotes.

Submission:

Labcorp Genetics (formerly Invitae), Labcorp
Classification: Uncertain significance for Dyskeratosis congenita, autosomal dominant 6. Last evaluated: 2025-03-07. Review status: criteria provided, single submitter. Criteria: Invitae Variant Classification Sherloc (09022015). Collection method: clinical testing. Allele origin: germline.
Comment: This sequence change replaces arginine, which is basic and polar, with glutamine, which is neutral and polar, at codon 220 of the ACD protein (p.Arg220Gln). This variant is present in population databases (rs765971010, gnomAD 0.01%). This variant has not been reported in the literature in individuals affected with ACD-related conditions. Invitae Evidence Modeling of protein sequence and biophysical properties (such as structural, functional, and spatial information, amino acid conservation, physicochemical variation, residue mobility, and thermodynamic stability) indicates that this missense variant is not expected to disrupt ACD protein function with a negative predictive value of 80%. In summary, the available evidence is currently insufficient to determine the role of this variant in disease. Therefore, it has been classified as a Variant of Uncertain Significance.

NM_001082486.2(ACD):c.401G>A (p.Arg134Gln)

Gene: ACD (ACD shelterin complex subunit and telomerase recruitment factor; minus strand). Cytogenetic location: 16q22.1.
Variant type: single nucleotide variant.
Coding change: c.401G>A on transcript NM_001082486.2 (MANE Select); coding-DNA position 401, G replaced by A.
Protein change: p.Arg134Gln; replaces arginine 134 with glutamine.
Molecular consequence: missense variant.
Genome position (GRCh38, 1-based): chr16:67,659,549, C>T on the plus strand (G>A on the coding strand, the complement: ACD is on the minus strand). VCF-style: chr16-67659549-C-T. GRCh37 (hg19) VCF-style: chr16-67693452-C-T.
Other names: c.401G>A, p.Arg134Gln (NM_001410884.1); c.392G>A, p.Arg131Gln (NM_022914.3); short protein forms R134Q, R131Q.
Identifiers: ClinVar variation 4751641 (VCV004751641.1).
Genomic context (GRCh38, chr16:67,659,549, plus strand): 5'-GCCAGGCTGGGGTGGGGAGAGCTGCTGGAGGGCGGAGGCATCACTTACCAACCAGGCACC[C>T]GTAGCCGGGGCTGCTCCGTGGGCAGCAGGCTGAAGCGGTCCACCTGGAGATAGAACTCTG-3'
Protein context (NP_001075955.2, residues 124-144): SLLPTEQPRL[Arg134Gln]VPGCNQDLDV